The following is an entry in ClinVar:

NM_003680.4(YARS1):c.523G>T (p.Glu175Ter)

Gene: YARS1 (tyrosyl-tRNA synthetase 1; minus strand). Cytogenetic location: 1p35.1.
Variant type: single nucleotide variant.
Coding change: c.523G>T on transcript NM_003680.4 (MANE Select); coding-DNA position 523, G replaced by T.
Protein change: p.Glu175Ter; replaces glutamic acid 175 with a stop codon.
Molecular consequence: nonsense.
Genome position (GRCh38, 1-based): chr1:32,797,831, C>A on the plus strand (G>T on the coding strand, the complement: YARS1 is on the minus strand). VCF-style: chr1-32797831-C-A. GRCh37 (hg19) VCF-style: chr1-33263432-C-A.
Other names: short protein forms E175*.
Identifiers: ClinVar variation 464877 (VCV000464877.6), dbSNP rs1553124472, ClinGen allele CA339686650.

ClinVar aggregate classification (germline): Uncertain significance (1 of 4 stars; one submission).

Conditions:
Charcot-Marie-Tooth disease dominant intermediate C (CMTDIC). Also called: CHARCOT-MARIE-TOOTH NEUROPATHY, DOMINANT INTERMEDIATE C. Identifiers: Orphanet 100045, MedGen C1842237, MONDO:0012012, OMIM 608323.

Allele frequency attached by ClinVar (database versions not stated): gnomAD exomes below 0.00001.
gnomAD v4.1: 2 of 1,614,018 alleles (0.00012%); highest among the groups gnomAD compares: Middle Eastern, 0.017%; no homozygotes.

Submission:

Labcorp Genetics (formerly Invitae), Labcorp
Classification: Uncertain significance for Charcot-Marie-Tooth disease dominant intermediate C. Last evaluated: 2025-08-31. Review status: criteria provided, single submitter. Criteria: Invitae Variant Classification Sherloc (09022015). Collection method: clinical testing. Allele origin: germline.
Comment: This sequence change creates a premature translational stop signal (p.Glu175*) in the YARS gene. It is expected to result in an absent or disrupted protein product. However, the current clinical and genetic evidence is not sufficient to establish whether loss-of-function variants in YARS cause disease. This variant is not present in population databases (gnomAD no frequency). This variant has not been reported in the literature in individuals affected with YARS-related conditions. ClinVar contains an entry for this variant (Variation ID: 464877). In summary, the available evidence is currently insufficient to determine the role of this variant in disease. Therefore, it has been classified as a Variant of Uncertain Significance.